The following is an entry in ClinVar:

NM_001012759.3(CTU2):c.1468C>T (p.Arg490Cys)

Gene: CTU2 (cytosolic thiouridylase subunit 2; plus strand). Cytogenetic location: 16q24.3.
Variant type: single nucleotide variant.
Coding change: c.1468C>T on transcript NM_001012759.3 (MANE Select); coding-DNA position 1468, C replaced by T.
Protein change: p.Arg490Cys; replaces arginine 490 with cysteine.
Molecular consequence: missense variant. On other transcripts: intron variant (1).
Genome position (GRCh38, 1-based): chr16:88,715,096, C>T. VCF-style: chr16-88715096-C-T. GRCh37 (hg19) VCF-style: chr16-88781504-C-T.
Other names: c.1681C>T, p.Arg561Cys (NM_001318507.2); c.1207C>T, p.Arg403Cys (NM_001318513.2); c.1420-86C>T (NM_001012762.3); short protein forms R403C, R490C, R561C.
Identifiers: ClinVar variation 2369716 (VCV002369716.6), dbSNP rs368079417, ClinGen allele CA8231174.

ClinVar aggregate classification (germline): Uncertain significance. Review status: criteria provided, multiple submitters, no conflicts (2 of 4 stars). 2 submissions from 2 submitters: Uncertain significance (2). Last evaluated 2025-02-18.

Allele frequency attached by ClinVar (database versions not stated): ESP Exome Variant Server 0.00008; gnomAD 0.00012.
gnomAD v4.1: 189 of 1,584,152 alleles (0.012%); highest among the groups gnomAD compares: Admixed American, 0.034%; no homozygotes.

Submissions (2):

Ambry Genetics
Classification: Uncertain significance. Last evaluated: 2025-02-18. Review status: criteria provided, single submitter. Criteria: Ambry Variant Classification Scheme 2023. Collection method: clinical testing. Allele origin: germline.

Labcorp Genetics (formerly Invitae), Labcorp
Classification: Uncertain significance. Last evaluated: 2023-08-30. Review status: criteria provided, single submitter. Criteria: Invitae Variant Classification Sherloc (09022015). Collection method: clinical testing. Allele origin: germline.
Comment: In summary, the available evidence is currently insufficient to determine the role of this variant in disease. Therefore, it has been classified as a Variant of Uncertain Significance. This sequence change replaces arginine, which is basic and polar, with cysteine, which is neutral and slightly polar, at codon 490 of the CTU2 protein (p.Arg490Cys). This variant is present in population databases (rs368079417, gnomAD 0.04%). This variant has not been reported in the literature in individuals affected with CTU2-related conditions. ClinVar contains an entry for this variant (Variation ID: 2369716). Advanced modeling of protein sequence and biophysical properties (such as structural, functional, and spatial information, amino acid conservation, physicochemical variation, residue mobility, and thermodynamic stability) performed at Invitae indicates that this missense variant is expected to disrupt CTU2 protein function.